The following is an entry in ClinVar:

ClinVar aggregate classification (germline): Uncertain significance (1 of 4 stars; one submission).

Submission:

GeneDx
Classification: Uncertain significance. Last evaluated: 2024-01-22. Review status: criteria provided, single submitter. Criteria: GeneDx Variant Classification Process June 2021. Collection method: clinical testing. Allele origin: germline. Affected: yes.
Comment: Has not been previously published as pathogenic or benign to our knowledge; In-frame deletion of 6 amino acids in a non-repeat region; In silico analysis supports a deleterious effect on protein structure/function

NM_005654.6(NR2F1):c.177_194del (p.Ala60_Gly65del)

Genes: NR2F1 (nuclear receptor subfamily 2 group F member 1; plus strand), NR2F1-AS1 (NR2F1 antisense RNA 1; minus strand). Cytogenetic location: 5q15.
Variant type: Deletion.
Coding change: c.177_194del on transcript NM_005654.6 (MANE Select); coding-DNA positions 177 to 194, 18 bases deleted (AGCGCCCGCCACCCCCGG).
Protein change: p.Ala60_Gly65del.
Molecular consequence: inframe deletion.
Genome position (GRCh38, 1-based): chr5:93,585,200-93,585,217, AGCGCCCGCCACCCCCGG deleted; deleting any 18 consecutive bases within chr5:93,585,195-93,585,217 gives the same sequence; the c. name uses the placement nearest the transcript's 3' end. VCF-style (leftmost placement, unchanged base first): chr5-93585194-GCCCGGAGCGCCCGCCACC-G. GRCh37 (hg19) VCF-style: chr5-92920900-GCCCGGAGCGCCCGCCACC-G.
Identifiers: ClinVar variation 3367983 (VCV003367983.1).
Genomic context (GRCh38, chr5:93,585,194, plus strand): 5'-CGGCGAGCAGCAGCAGCAGGCGGGCTCGGGCGCGCCGCACACGCCGCAGACCCCGGGCCA[GCCCGGAGCGCCCGCCACC>G]CCCGGCACGGCGGGGGACAAGGGCCAGGGCCCGCCCGGTTCGGGCCAGAGCCAGCAGCAC-3'